The following is an entry in ClinVar:

NM_015450.3(POT1):c.281A>G (p.Gln94Arg)

Gene: POT1 (protection of telomeres 1; minus strand). Cytogenetic location: 7q31.33.
Variant type: single nucleotide variant.
Coding change: c.281A>G on transcript NM_015450.3 (MANE Select); coding-DNA position 281, A replaced by G.
Protein change: p.Gln94Arg; replaces glutamine 94 with arginine.
Molecular consequence: missense variant. On other transcripts: 5 prime UTR variant (1), non-coding transcript variant (3).
Genome position (GRCh38, 1-based): chr7:124,863,615, T>C on the plus strand (A>G on the coding strand, the complement: POT1 is on the minus strand). VCF-style: chr7-124863615-T-C. GRCh37 (hg19) VCF-style: chr7-124503669-T-C.
Other names: c.-113A>G (NM_001042594.2); c.281A>G (NM_015450.2); short protein forms Q94R.
Identifiers: ClinVar variation 1020237 (VCV001020237.10), dbSNP rs1795652696, ClinGen allele CA369060442.

ClinVar aggregate classification (germline): Uncertain significance. Review status: criteria provided, multiple submitters, no conflicts (2 of 4 stars). 2 submissions from 2 submitters: Uncertain significance (2). Last evaluated 2025-05-27.

Conditions:
Tumor predisposition syndrome 3 (TPDS3). Also called: Glioma susceptibility 9; LONG TELOMERE SYNDROME, POT1-RELATED; POT1 Tumor Predisposition; Melanoma, cutaneous malignant, susceptibility to, 10. Identifiers: Orphanet 618, MedGen C4014476, MONDO:0014368, OMIM 615848.
Hereditary cancer-predisposing syndrome. Also called: Neoplastic Syndromes, Hereditary; Hereditary Cancer Syndrome; Hereditary neoplastic syndrome; Tumor predisposition. Identifiers: Orphanet 140162, MedGen C0027672, MeSH D009386, MONDO:0015356.

Submissions (2):

Ambry Genetics
Classification: Uncertain significance for Hereditary cancer-predisposing syndrome. Last evaluated: 2025-05-27. Review status: criteria provided, single submitter. Criteria: Ambry Variant Classification Scheme 2023. Collection method: clinical testing. Allele origin: germline.
Comment: The p.Q94R variant (also known as c.281A>G), located in coding exon 4 of the POT1 gene, results from an A to G substitution at nucleotide position 281. The glutamine at codon 94 is replaced by arginine, an amino acid with highly similar properties. This amino acid position is highly conserved in available vertebrate species. In addition, this alteration is predicted to be deleterious by in silico analysis. Based on the available evidence, the clinical significance of this variant remains unclear.

Labcorp Genetics (formerly Invitae), Labcorp
Classification: Uncertain significance for Tumor predisposition syndrome 3. Last evaluated: 2024-12-02. Review status: criteria provided, single submitter. Criteria: Invitae Variant Classification Sherloc (09022015). Collection method: clinical testing. Allele origin: germline.
Comment: This sequence change replaces glutamine, which is neutral and polar, with arginine, which is basic and polar, at codon 94 of the POT1 protein (p.Gln94Arg). This variant is not present in population databases (gnomAD no frequency). This variant has not been reported in the literature in individuals affected with POT1-related conditions. ClinVar contains an entry for this variant (Variation ID: 1020237). Invitae Evidence Modeling of protein sequence and biophysical properties (such as structural, functional, and spatial information, amino acid conservation, physicochemical variation, residue mobility, and thermodynamic stability) indicates that this missense variant is not expected to disrupt POT1 protein function with a negative predictive value of 80%. In summary, the available evidence is currently insufficient to determine the role of this variant in disease. Therefore, it has been classified as a Variant of Uncertain Significance.